The following is an entry in ClinVar:

ClinVar aggregate classification (germline): Uncertain significance (1 of 4 stars; one submission).

Conditions:
Dyskeratosis congenita. Identifiers: Orphanet 1775, MedGen C0265965, MONDO:0015780.

Allele frequency attached by ClinVar (database versions not stated): TOPMed below 0.00001; gnomAD 0.00001.
gnomAD v4.1: 10 of 1,614,068 alleles (0.00062%); highest among the groups gnomAD compares: East Asian, 0.022%; no homozygotes.

Submission:

Labcorp Genetics (formerly Invitae), Labcorp
Classification: Uncertain significance for Dyskeratosis congenita. Last evaluated: 2025-05-12. Review status: criteria provided, single submitter. Criteria: Invitae Variant Classification Sherloc (09022015). Collection method: clinical testing. Allele origin: germline.
Comment: This sequence change replaces isoleucine, which is neutral and non-polar, with valine, which is neutral and non-polar, at codon 437 of the TINF2 protein (p.Ile437Val). The frequency data for this variant in the population databases is considered unreliable, as metrics indicate poor data quality at this position in the gnomAD database. This variant has not been reported in the literature in individuals affected with TINF2-related conditions. ClinVar contains an entry for this variant (Variation ID: 1446967). An algorithm developed to predict the effect of missense changes on protein structure and function outputs the following: PolyPhen-2: "Benign". The valine amino acid residue is found in multiple mammalian species, which suggests that this missense change does not adversely affect protein function. In summary, the available evidence is currently insufficient to determine the role of this variant in disease. Therefore, it has been classified as a Variant of Uncertain Significance.

NM_001099274.3(TINF2):c.1309A>G (p.Ile437Val)

Gene: TINF2 (TERF1 interacting nuclear factor 2; minus strand). Cytogenetic location: 14q12.
Variant type: single nucleotide variant.
Coding change: c.1309A>G on transcript NM_001099274.3 (MANE Select); coding-DNA position 1309, A replaced by G.
Protein change: p.Ile437Val; replaces isoleucine 437 with valine.
Molecular consequence: missense variant. On other transcripts: 3 prime UTR variant (1).
Genome position (GRCh38, 1-based): chr14:24,239,844, T>C on the plus strand (A>G on the coding strand, the complement: TINF2 is on the minus strand). VCF-style: chr14-24239844-T-C. GRCh37 (hg19) VCF-style: chr14-24709050-T-C.
Other names: c.1204A>G, p.Ile402Val (NM_001363668.2); c.*571A>G (NM_012461.3); short protein forms I437V, I402V.
Identifiers: ClinVar variation 1446967 (VCV001446967.7), dbSNP rs777060713, ClinGen allele CA7130410.